The following is an entry in ClinVar:

NM_181426.2(CCDC39):c.821G>A (p.Gly274Glu)

Gene: CCDC39 (coiled-coil domain 39 molecular ruler complex subunit; minus strand). Cytogenetic location: 3q26.33.
Variant type: single nucleotide variant.
Coding change: c.821G>A on transcript NM_181426.2 (MANE Select); coding-DNA position 821, G replaced by A.
Protein change: p.Gly274Glu; replaces glycine 274 with glutamic acid.
Molecular consequence: missense variant.
Genome position (GRCh38, 1-based): chr3:180,654,871, C>T on the plus strand (G>A on the coding strand, the complement: CCDC39 is on the minus strand). VCF-style: chr3-180654871-C-T. GRCh37 (hg19) VCF-style: chr3-180372659-C-T.
Other names: short protein forms G274E.
Identifiers: ClinVar variation 344276 (VCV000344276.10), dbSNP rs752180569, ClinGen allele CA2716073.

ClinVar aggregate classification (germline): Uncertain significance. Review status: criteria provided, multiple submitters, no conflicts (2 of 4 stars). 3 submissions from 3 submitters: Uncertain significance (3). Last evaluated 2024-11-13.

Conditions:
Primary ciliary dyskinesia. Also called: Ciliary dyskinesia. Identifiers: Orphanet 244, MedGen C0008780, MONDO:0016575, HP:0012265.
Primary ciliary dyskinesia 14. Also called: CILIARY DYSKINESIA, PRIMARY, 14, WITH OR WITHOUT SITUS INVERSUS. Identifiers: Orphanet 244, MedGen C3151136, MONDO:0013434, OMIM 613807.

Allele frequency attached by ClinVar (database versions not stated): gnomAD 0.00003 and 0.00005; ExAC 0.00005; TOPMed 0.00005.
gnomAD v4.1: 156 of 1,599,154 alleles (0.0098%); highest among the groups gnomAD compares: South Asian, 0.033%; 1 homozygote.

Submissions (3):

Ambry Genetics
Classification: Uncertain significance for Primary ciliary dyskinesia. Last evaluated: 2024-11-13. Review status: criteria provided, single submitter. Criteria: Ambry Variant Classification Scheme 2023. Collection method: clinical testing. Allele origin: germline.

Labcorp Genetics (formerly Invitae), Labcorp
Classification: Uncertain significance for Primary ciliary dyskinesia. Last evaluated: 2022-08-16. Review status: criteria provided, single submitter. Criteria: Invitae Variant Classification Sherloc (09022015). Collection method: clinical testing. Allele origin: germline.
Comment: This sequence change replaces glycine, which is neutral and non-polar, with glutamic acid, which is acidic and polar, at codon 274 of the CCDC39 protein (p.Gly274Glu). This variant is present in population databases (rs752180569, gnomAD 0.01%). This variant has not been reported in the literature in individuals affected with CCDC39-related conditions. ClinVar contains an entry for this variant (Variation ID: 344276). Algorithms developed to predict the effect of missense changes on protein structure and function output the following: SIFT: "Tolerated"; PolyPhen-2: "Benign"; Align-GVGD: "Class C0". The glutamic acid amino acid residue is found in multiple mammalian species, which suggests that this missense change does not adversely affect protein function. In summary, the available evidence is currently insufficient to determine the role of this variant in disease. Therefore, it has been classified as a Variant of Uncertain Significance.

Illumina Laboratory Services, Illumina
Classification: Uncertain significance for Primary ciliary dyskinesia 14. Last evaluated: 2018-01-12. Review status: criteria provided, single submitter. Criteria: ICSL Variant Classification Criteria 13 December 2019. Collection method: clinical testing. Allele origin: germline.